The following is an entry in ClinVar:

NM_032656.4(DHX37):c.510_515dup (p.Glu172_Leu173insSerGlu)

Gene: DHX37 (DEAH-box helicase 37; minus strand). Cytogenetic location: 12q24.31.
Variant type: Duplication.
Coding change: c.510_515dup on transcript NM_032656.4 (MANE Select); coding-DNA positions 510 to 515, 6 bases duplicated (ATCGGA; older notation c.510_515dupATCGGA).
Protein change: p.Glu172_Leu173insSerGlu.
Genome position (GRCh38, 1-based): chr12:124,980,713-124,980,718, TCCGAT duplicated on the plus strand (ATCGGA on the coding strand, the reverse complement: DHX37 is on the minus strand); duplicating any 6 consecutive bases within chr12:124,980,713-124,980,723 gives the same sequence; the c. name uses the placement nearest the transcript's 3' end. VCF-style (leftmost placement, unchanged base first): chr12-124980712-C-CTCCGAT. GRCh37 (hg19) VCF-style: chr12-125465258-C-CTCCGAT.
Identifiers: ClinVar variation 3376996 (VCV003376996.1).

ClinVar aggregate classification (germline): Uncertain significance (1 of 4 stars; one submission).

Conditions:
Neurodevelopmental disorder with brain anomalies and with or without vertebral or cardiac anomalies. Identifiers: MedGen C5231481, MONDO:0032888, OMIM 618731.

Submission:

Victorian Clinical Genetics Services, Murdoch Childrens Research Institute
Classification: Uncertain significance for Neurodevelopmental disorder with brain anomalies and with or without vertebral or cardiac anomalies. Last evaluated: 2021-05-06. Review status: criteria provided, single submitter. Criteria: ACMG Guidelines, 2015. Collection method: clinical testing. Allele origin: germline. Inheritance: Autosomal recessive inheritance.
Comment: Based on the classification scheme VCGS_Germline_v1.3.4, this variant is classified as VUS-3B. Following criteria are met: 0105 - The mechanism of disease for this gene is not clearly established. However, loss of function is suspected for autosomal recessive neurodevelopmental disorder with brain anomalies and with or without vertebral or cardiac anomalies (MIM#618731). (I) 0108 - This gene is associated with both recessive and dominant disease. There is no genotype-phenotype correlation between autosomal dominant 46, XY sex reversal 11 (MIM#273250) and autosomal recessive neurodevelopmental disorder with brain anomalies with or without vertebral or cardiac anomalies (MIM#618731), with only missense variants been reported for both conditions. However, missense variants that cause sex reversal are enriched within the helicase core region, and RecA1 and RecA2 domains (PMID: 31256877, PMID: 31337883). (I) 0214 - Inframe duplication fully contained in a dipeptide repeat region that has moderate conservation. (I) 0304 - Variant is present in gnomAD (v2) <0.01 for a recessive condition (2 heterozygotes, 0 homozygotes). (SP) 0604 - Variant is not located in an established domain, motif, hotspot or informative constraint region. (I) 0705 - No comparable inframe variants have previous evidence for pathogenicity. (I) 0807 - This variant has no previous evidence of pathogenicity. (I) 0905 - No published segregation evidence has been identified for this variant. (I) 1007 - No published functional evidence has been identified for this variant. (I) Legend: (SP) - Supporting pathogenic, (I) - Information, (SB) - Supporting benign

Literature cited by the submitters: PubMed 31256877; PubMed 31337883.